The following is an entry in ClinVar:

NM_004958.4(MTOR):c.3389C>T (p.Pro1130Leu)

Gene: MTOR (mechanistic target of rapamycin kinase; minus strand). Cytogenetic location: 1p36.22.
Variant type: single nucleotide variant.
Coding change: c.3389C>T on transcript NM_004958.4 (MANE Select); coding-DNA position 3389, C replaced by T.
Protein change: p.Pro1130Leu; replaces proline 1130 with leucine.
Molecular consequence: missense variant.
Genome position (GRCh38, 1-based): chr1:11,212,805, G>A on the plus strand (C>T on the coding strand, the complement: MTOR is on the minus strand). VCF-style: chr1-11212805-G-A. GRCh37 (hg19) VCF-style: chr1-11272862-G-A.
Other names: c.3389C>T (LRG_734t1); short protein forms P1130L.
Identifiers: ClinVar variation 408304 (VCV000408304.10), dbSNP rs371126703, ClinGen allele CA590236.

ClinVar aggregate classification (germline): Uncertain significance (1 of 4 stars; one submission).

Allele frequency attached by ClinVar (database versions not stated): ExAC 0.00001; gnomAD exomes 0.00001; ESP Exome Variant Server 0.00008.
gnomAD v4.1: 25 of 1,612,832 alleles (0.0016%); highest among the groups gnomAD compares: Non-Finnish European, 0.002%; no homozygotes.

Submission:

Labcorp Genetics (formerly Invitae), Labcorp
Classification: Uncertain significance. Last evaluated: 2024-07-08. Review status: criteria provided, single submitter. Criteria: Invitae Variant Classification Sherloc (09022015). Collection method: clinical testing. Allele origin: germline.
Comment: This sequence change replaces proline, which is neutral and non-polar, with leucine, which is neutral and non-polar, at codon 1130 of the MTOR protein (p.Pro1130Leu). This variant is present in population databases (rs371126703, gnomAD 0.002%). This variant has not been reported in the literature in individuals affected with MTOR-related conditions. ClinVar contains an entry for this variant (Variation ID: 408304). Advanced modeling of protein sequence and biophysical properties (such as structural, functional, and spatial information, amino acid conservation, physicochemical variation, residue mobility, and thermodynamic stability) performed at Invitae indicates that this missense variant is not expected to disrupt MTOR protein function with a negative predictive value of 95%. In summary, the available evidence is currently insufficient to determine the role of this variant in disease. Therefore, it has been classified as a Variant of Uncertain Significance.